The following is an entry in ClinVar:

ClinVar aggregate classification (germline): Uncertain significance. Review status: criteria provided, multiple submitters, no conflicts (2 of 4 stars). 3 submissions from 3 submitters: Uncertain significance (3). Last evaluated 2024-04-10.

Conditions:
Charcot-Marie-Tooth disease dominant intermediate B (CMTDIB). Also called: Charcot-Marie-Tooth disease dominant intermediate 1; CMT DI1; Charcot-Marie-Tooth disease dominant intermediate I; CHARCOT-MARIE-TOOTH NEUROPATHY, DOMINANT INTERMEDIATE B. Identifiers: Orphanet 100044, Orphanet 228179, MedGen C1847902, MONDO:0011674, OMIM 606482.

Allele frequency attached by ClinVar (database versions not stated): gnomAD exomes below 0.00001; gnomAD 0.00001; TOPMed 0.00001.
gnomAD v4.1: 3 of 1,614,052 alleles (0.00019%); highest among the groups gnomAD compares: African/African-American, 0.004%; no homozygotes.

Submissions (3):

GeneDx
Classification: Uncertain significance. Last evaluated: 2024-04-10. Review status: criteria provided, single submitter. Criteria: GeneDx Variant Classification Process June 2021. Collection method: clinical testing. Allele origin: germline. Affected: yes.
Comment: Not observed at significant frequency in large population cohorts (gnomAD); In silico analysis indicates that this missense variant does not alter protein structure/function; Has not been previously published as pathogenic or benign to our knowledge

Labcorp Genetics (formerly Invitae), Labcorp
Classification: Uncertain significance for Charcot-Marie-Tooth disease dominant intermediate B. Last evaluated: 2023-06-30. Review status: criteria provided, single submitter. Criteria: Invitae Variant Classification Sherloc (09022015). Collection method: clinical testing. Allele origin: germline.
Comment: In summary, the available evidence is currently insufficient to determine the role of this variant in disease. Therefore, it has been classified as a Variant of Uncertain Significance. Advanced modeling of protein sequence and biophysical properties (such as structural, functional, and spatial information, amino acid conservation, physicochemical variation, residue mobility, and thermodynamic stability) has been performed at Invitae for this missense variant, however the output from this modeling did not meet the statistical confidence thresholds required to predict the impact of this variant on DNM2 protein function. ClinVar contains an entry for this variant (Variation ID: 804753). This variant has not been reported in the literature in individuals affected with DNM2-related conditions. This variant is present in population databases (no rsID available, gnomAD 0.007%). This sequence change replaces isoleucine, which is neutral and non-polar, with valine, which is neutral and non-polar, at codon 679 of the DNM2 protein (p.Ile679Val).

Athena Diagnostics
Classification: Uncertain significance. Last evaluated: 2019-06-14. Review status: criteria provided, single submitter. Criteria: Athena Diagnostics Criteria. Collection method: clinical testing. Allele origin: germline.

NM_001005361.3(DNM2):c.2035A>G (p.Ile679Val)

Gene: DNM2 (dynamin 2; plus strand). Cytogenetic location: 19p13.2.
Variant type: single nucleotide variant.
Coding change: c.2035A>G on transcript NM_001005361.3 (MANE Select); coding-DNA position 2035, A replaced by G.
Protein change: p.Ile679Val; replaces isoleucine 679 with valine.
Molecular consequence: missense variant.
Genome position (GRCh38, 1-based): chr19:10,825,198, A>G. VCF-style: chr19-10825198-A-G. GRCh37 (hg19) VCF-style: chr19-10935874-A-G.
Other names: c.2035A>G, p.Ile679Val (NM_001005360.3, NM_001190716.2); c.2023A>G, p.Ile675Val (NM_001005362.3, NM_004945.4); short protein forms I675V, I679V.
Identifiers: ClinVar variation 804753 (VCV000804753.8), dbSNP rs1381561772, ClinGen allele CA404041718.